The following is an entry in ClinVar:

NM_005359.6(SMAD4):c.893C>G (p.Pro298Arg)

Gene: SMAD4 (SMAD family member 4; plus strand). Cytogenetic location: 18q21.2.
Variant type: single nucleotide variant.
Coding change: c.893C>G on transcript NM_005359.6 (MANE Select); coding-DNA position 893, C replaced by G.
Protein change: p.Pro298Arg; replaces proline 298 with arginine.
Molecular consequence: missense variant. On other transcripts: non-coding transcript variant (2).
Genome position (GRCh38, 1-based): chr18:51,058,445, C>G. VCF-style: chr18-51058445-C-G. GRCh37 (hg19) VCF-style: chr18-48584815-C-G.
Other names: c.893C>G, p.Pro298Arg (NM_001407041.1, NM_001407042.1, NM_001407043.1); short protein forms P298R.
Identifiers: ClinVar variation 5029729 (VCV005029729.1).

ClinVar aggregate classification (germline): Uncertain significance (1 of 4 stars; one submission).

Conditions:
Familial thoracic aortic aneurysm and aortic dissection (TAAD). Also called: Thoracic aortic aneurysms and dissections. Identifiers: Orphanet 91387, MedGen C4707243, MONDO:0019625.
Hereditary cancer-predisposing syndrome. Also called: Neoplastic Syndromes, Hereditary; Tumor predisposition; Hereditary neoplastic syndrome; Hereditary Cancer Syndrome. Identifiers: Orphanet 140162, MedGen C0027672, MeSH D009386, MONDO:0015356.

Submission:

Ambry Genetics
Classification: Uncertain significance for Hereditary cancer-predisposing syndrome; Familial thoracic aortic aneurysm and aortic dissection. Last evaluated: 2026-07-02. Review status: criteria provided, single submitter. Criteria: Ambry Variant Classification Scheme 2023. Collection method: clinical testing. Allele origin: germline.
Comment: The p.P298R variant (also known as c.893C>G), located in coding exon 6 of the SMAD4 gene, results from a C to G substitution at nucleotide position 893. The proline at codon 298 is replaced by arginine, an amino acid with dissimilar properties. This amino acid position is conserved. In addition, this alteration is predicted to be deleterious by in silico analysis. Based on the available evidence, the clinical significance of this variant remains unclear.